The following is an entry in ClinVar:

NM_001394062.1(MACF1):c.15869A>G (p.Asn5290Ser)

Gene: MACF1 (microtubule actin crosslinking factor 1; plus strand). Cytogenetic location: 1p34.3.
Variant type: single nucleotide variant.
Coding change: c.15869A>G on transcript NM_001394062.1 (MANE Select); coding-DNA position 15869, A replaced by G.
Protein change: p.Asn5290Ser; replaces asparagine 5290 with serine.
Molecular consequence: missense variant.
Genome position (GRCh38, 1-based): chr1:39,422,426, A>G. VCF-style: chr1-39422426-A-G. GRCh37 (hg19) VCF-style: chr1-39888098-A-G.
Other names: c.4265A>G, p.Asn1422Ser (NM_001397473.1); c.9683A>G, p.Asn3228Ser (NM_012090.5); short protein forms N1422S, N3228S, N5290S.
Identifiers: ClinVar variation 2505717 (VCV002505717.1), dbSNP rs2522986350, ClinGen allele CA339791093.
Genomic context (GRCh38, chr1:39,422,426, plus strand): 5'-TTATCTAGATGTTTCAGAAAGAACAAGTGGATCCTCTTCAGATGAAATTGCAGCAGGTGA[A>G]TGGACTTGGCCAGGGATTAATTCAGAGTGCAGGAAAAGACTGTGATGTACAGGGTTTAGA-3'
Protein context (NP_001380991.1, residues 5280-5300): DPLQMKLQQV[Asn5290Ser]GLGQGLIQSA

ClinVar aggregate classification (germline): Uncertain significance (1 of 4 stars; one submission).

Submission:

GeneDx
Classification: Uncertain significance. Last evaluated: 2022-12-13. Review status: criteria provided, single submitter. Criteria: GeneDx Variant Classification Process June 2021. Collection method: clinical testing. Allele origin: germline. Affected: yes.
Comment: Not observed at significant frequency in large population cohorts (gnomAD); In silico analysis supports that this missense variant has a deleterious effect on protein structure/function; In silico analysis supports a deleterious effect on splicing; Has not been previously published as pathogenic or benign to our knowledge